The following is an entry in ClinVar:

NM_000070.3(CAPN3):c.1477C>G (p.Arg493Gly)

Gene: CAPN3 (calpain 3; plus strand). Cytogenetic location: 15q15.1.
Variant type: single nucleotide variant.
Coding change: c.1477C>G on transcript NM_000070.3 (MANE Select); coding-DNA position 1477, C replaced by G.
Protein change: p.Arg493Gly; replaces arginine 493 with glycine.
Molecular consequence: missense variant.
Genome position (GRCh38, 1-based): chr15:42,401,763, C>G. VCF-style: chr15-42401763-C-G. GRCh37 (hg19) VCF-style: chr15-42693961-C-G.
Other names: c.1477C>G, p.Arg493Gly (NM_024344.2); c.1333C>G, p.Arg445Gly (NM_173087.2); short protein forms R493G, R445G.
Identifiers: ClinVar variation 286477 (VCV000286477.18), dbSNP rs557164942, ClinGen allele CA10605479.

ClinVar aggregate classification (germline): Conflicting classifications of pathogenicity. Review status: criteria provided, conflicting classifications (1 of 4 stars). 8 submissions from 8 submitters: Likely pathogenic (4); Uncertain significance (3). 1 of the submissions does not count toward it. Last evaluated 2026-08-27.

Conditions:
Muscular dystrophy, limb-girdle, autosomal dominant 4. Also called: MUSCULAR DYSTROPHY, LIMB-GIRDLE, TYPE 1I; Calpain-3-related limb-girdle muscular dystrophy D4. Identifiers: Orphanet 565909, MedGen C4748295, MONDO:0029133, OMIM 618129.
Autosomal recessive limb-girdle muscular dystrophy type 2A (LGMDR1). Also called: LEYDEN-MOEBIUS MUSCULAR DYSTROPHY; MUSCULAR DYSTROPHY, PELVOFEMORAL; Muscular dystrophy, limb-girdle, type 2A, Amish; Limb-girdle muscular dystrophy, type 2A; Calpainopathy. Identifiers: Orphanet 267, MedGen C1869123, MONDO:0009675, OMIM 253600. Disease mechanism: loss of function.

Allele frequency attached by ClinVar (database versions not stated): TOPMed 0.00001.
gnomAD v4.1: 14 of 1,613,892 alleles (0.00087%); highest among the groups gnomAD compares: Admixed American, 0.0033%; no homozygotes.

Submissions (8):

Myriad Genetics, Inc.
Classification: Uncertain significance for Autosomal recessive limb-girdle muscular dystrophy type 2A. Last evaluated: 2026-08-27. Review status: criteria provided, single submitter. Criteria: Myriad Autosomal Dominant, Autosomal Recessive and X-Linked Classification Criteria (2023). Collection method: clinical testing. Allele origin: unknown.
Comment: NM_000070.2(CAPN3):c.1477C>G(R493G) is a missense variant classified as a variant of uncertain significance in the context of calpainopathy. R493G has been observed in a case with relevant disease (PMID: 16141003). Relevant functional assessments of this variant are not available in the literature. R493G has been observed in referenced population frequency databases. In summary, there is insufficient evidence to classify NM_000070.2(CAPN3):c.1477C>G(R493G) as pathogenic or benign. Please note: this variant was assessed in the context of healthy population screening.

Women's Health and Genetics/Laboratory Corporation of America, LabCorp
Classification: Uncertain significance. Last evaluated: 2026-01-06. Review status: criteria provided, single submitter. Criteria: LabCorp Variant Classification Summary - May 2015. Collection method: clinical testing. Allele origin: germline.
Comment: Variant summary: CAPN3 c.1477C>G (p.Arg493Gly) results in a non-conservative amino acid change in the encoded protein sequence. Algorithms developed to predict the effect of missense changes on protein structure and function all suggest that this variant is likely to be disruptive. The variant allele was found at a frequency of 8e-06 in 251070 control chromosomes. The available data on variant occurrences in the general population are insufficient to allow any conclusion about variant significance. c.1477C>G has been observed in an individual affected with autosomal recessive limb-girdle muscular dystrophy (Piluso_2005). This report does not provide unequivocal conclusions about association of the variant with autosomal recessive limb-girdle muscular dystrophy type 2A. To our knowledge, no experimental evidence demonstrating an impact on protein function has been reported. The following publication has been ascertained in the context of this evaluation (PMID: 16141003). ClinVar contains an entry for this variant (Variation ID: 286477). Based on the evidence outlined above, the variant was classified as uncertain significance.

3billion
Classification: Likely pathogenic for Autosomal recessive limb-girdle muscular dystrophy type 2A. Last evaluated: 2024-06-24. Review status: criteria provided, single submitter. Criteria: ACMG Guidelines, 2015. Collection method: clinical testing. Allele origin: germline. Affected: yes.
Comment: The variant is observed at an extremely low frequency in the gnomAD v4.0.0 dataset (total allele frequency: <0.001%). Predicted Consequence/Location: Missense variant In silico tool predictions suggest damaging effect of the variant on gene or gene product [REVEL: 0.90 (>=0.6, sensitivity 0.68 and specificity 0.92); 3Cnet: 0.95 (>=0.6, sensitivity 0.72 and precision 0.9)]. The same nucleotide change resulting in the same amino acid change has been previously reported to be associated with CAPN3 related disorder (ClinVar ID: VCV000286477 /PMID: 16141003). A different missense change at the same codon (p.Arg493Trp) has been reported as pathogenic/likely pathogenic with strong evidence (ClinVar ID: VCV000193792 /PMID: 10330340). Therefore, this variant is classified as Likely pathogenic according to the recommendation of ACMG/AMP guideline.

Fulgent Genetics
Classification: Likely pathogenic for Autosomal recessive limb-girdle muscular dystrophy type 2A; Muscular dystrophy, limb-girdle, autosomal dominant 4. Last evaluated: 2024-06-24. Review status: criteria provided, single submitter. Criteria: ACMG Guidelines, 2015. Collection method: clinical testing. Allele origin: germline.

Baylor Genetics
Classification: Likely pathogenic for Muscular dystrophy, limb-girdle, autosomal dominant 4. Last evaluated: 2024-02-02. Review status: criteria provided, single submitter. Criteria: ACMG Guidelines, 2015. Collection method: clinical testing. Allele origin: unknown.

Eurofins Ntd Llc (ga)
Classification: Uncertain significance. Last evaluated: 2016-02-29. Review status: criteria provided, single submitter. Criteria: EGL Classification Definitions 2015. Collection method: clinical testing. Allele origin: germline. Observed: 1 variant allele, 1 heterozygote.

Kariminejad - Najmabadi Pathology & Genetics Center
Classification: Likely pathogenic for Autosomal recessive limb-girdle muscular dystrophy type 2A. Review status: criteria provided, single submitter. Criteria: ACMG Guidelines, 2015. Collection method: clinical testing. Allele origin: germline. Affected: no.

Counsyl
Classification: Uncertain significance for Autosomal recessive limb-girdle muscular dystrophy type 2A. Last evaluated: 2017-09-19. Review status: no assertion criteria provided. Collection method: clinical testing. Allele origin: unknown. Not counted in ClinVar's aggregate classification.

Literature cited by the submitters: PubMed 16141003 (cited by 4 submitters); PubMed 10330340 (cited by 3billion).